The following is an entry in ClinVar:

NM_032043.3(BRIP1):c.338C>T (p.Thr113Ile)

Gene: BRIP1 (BRCA1 interacting DNA helicase 1; minus strand). Cytogenetic location: 17q23.2.
Variant type: single nucleotide variant.
Coding change: c.338C>T on transcript NM_032043.3 (MANE Select); coding-DNA position 338, C replaced by T.
Protein change: p.Thr113Ile; replaces threonine 113 with isoleucine.
Molecular consequence: missense variant.
Genome position (GRCh38, 1-based): chr17:61,857,099, G>A on the plus strand (C>T on the coding strand, the complement: BRIP1 is on the minus strand). VCF-style: chr17-61857099-G-A. GRCh37 (hg19) VCF-style: chr17-59934460-G-A.
Other names: short protein forms T113I.
Identifiers: ClinVar variation 461149 (VCV000461149.28), dbSNP rs778480809, ClinGen allele CA8690960.

ClinVar aggregate classification (germline): Conflicting classifications of pathogenicity. Review status: criteria provided, conflicting classifications (1 of 4 stars). 8 submissions from 8 submitters: Uncertain significance (6); Likely benign (1). 1 of the submissions does not count toward it. Last evaluated 2025-12-17.

Conditions:
Familial cancer of breast. Also called: BREAST CANCER, FAMILIAL; Hereditary breast cancer; hereditary breast carcinoma. Identifiers: Orphanet 227535, MedGen C0346153, MONDO:0016419, OMIM 114480. Disease mechanism: loss of function.
Fanconi anemia complementation group J. Also called: BRIP1-Related Fanconi Anemia. Identifiers: Orphanet 84, MedGen C1836860, MONDO:0012187, OMIM 609054.
BRIP1-related disorder. Also called: BRIP1-related condition; BRIP1-related disorders. Identifiers: MedGen CN239206.
Hereditary cancer-predisposing syndrome. Also called: Neoplastic Syndromes, Hereditary; Tumor predisposition; Hereditary neoplastic syndrome; Hereditary Cancer Syndrome. Identifiers: Orphanet 140162, MedGen C0027672, MeSH D009386, MONDO:0015356.

Allele frequency attached by ClinVar (database versions not stated): gnomAD 0.00001; gnomAD exomes below 0.00001; TOPMed below 0.00001; ExAC 0.00001.
gnomAD v4.1: 3 of 1,614,010 alleles (0.00019%); highest among the groups gnomAD compares: East Asian, 0.0045%; no homozygotes.

Submissions (8):

Labcorp Genetics (formerly Invitae), Labcorp
Classification: Uncertain significance for Familial cancer of breast; Fanconi anemia complementation group J. Last evaluated: 2025-12-17. Review status: criteria provided, single submitter. Criteria: Invitae Variant Classification Sherloc (09022015). Collection method: clinical testing. Allele origin: germline.
Comment: This sequence change replaces threonine, which is neutral and polar, with isoleucine, which is neutral and non-polar, at codon 113 of the BRIP1 protein (p.Thr113Ile). This variant is present in population databases (rs778480809, gnomAD 0.006%). This missense change has been observed in individual(s) with pancreatic carcinoid tumor and/or suspected or confirmed Lynch syndrome (PMID: 25980754, 28767289). This variant is also known as c.338G>A. ClinVar contains an entry for this variant (Variation ID: 461149). Invitae Evidence Modeling of protein sequence and biophysical properties (such as structural, functional, and spatial information, amino acid conservation, physicochemical variation, residue mobility, and thermodynamic stability) indicates that this missense variant is not expected to disrupt BRIP1 protein function with a negative predictive value of 95%. In summary, the available evidence is currently insufficient to determine the role of this variant in disease. Therefore, it has been classified as a Variant of Uncertain Significance.

Color Diagnostics, LLC DBA Color Health
Classification: Uncertain significance for Hereditary cancer-predisposing syndrome. Last evaluated: 2025-07-25. Review status: criteria provided, single submitter. Criteria: ACMG Guidelines, 2015. Collection method: clinical testing. Allele origin: germline.
Comment: This missense variant replaces threonine with isoleucine at codon 113 of the BRIP1 protein. Computational prediction suggests that this variant may not impact protein structure and function. To our knowledge, functional studies have not been reported for this variant. This variant has been reported in individuals affected with Lynch syndrome-associated cancer and/or polyps (PMID: 25980754), pancreatic neuroendocrine tumor (PMID: 28767289), and breast cancer (PMID: 33471991). This variant has been identified in 1/251450 chromosomes in the general population by the Genome Aggregation Database (gnomAD). The available evidence is insufficient to determine the role of this variant in disease conclusively. Therefore, this variant is classified as a Variant of Uncertain Significance.

Ambry Genetics
Classification: Likely benign for Hereditary cancer-predisposing syndrome. Last evaluated: 2024-06-13. Review status: criteria provided, single submitter. Criteria: Ambry Variant Classification Scheme 2023. Collection method: clinical testing. Allele origin: germline.

Baylor Genetics
Classification: Uncertain significance for Familial cancer of breast. Last evaluated: 2023-10-06. Review status: criteria provided, single submitter. Criteria: ACMG Guidelines, 2015. Collection method: clinical testing. Allele origin: unknown.

GeneDx
Classification: Uncertain significance. Last evaluated: 2023-04-26. Review status: criteria provided, single submitter. Criteria: GeneDx Variant Classification Process June 2021. Collection method: clinical testing. Allele origin: germline.
Comment: Not observed at significant frequency in large population cohorts (gnomAD); In silico analysis supports that this missense variant does not alter protein structure/function; Observed in individuals with a personal or family history of colon, pancreatic, and/or other cancers, as well as unaffected controls in a breast cancer study (Yurgelun et al., 2015; Shindo et al., 2017; Dorling et al., 2021); This variant is associated with the following publications: (PMID: 25980754, 28767289, 33471991)

PreventionGenetics, part of Exact Sciences
Classification: Uncertain significance for BRIP1-related condition. Last evaluated: 2023-01-31. Review status: criteria provided, single submitter. Criteria: ACMG Guidelines, 2015. Collection method: clinical testing. Allele origin: germline.
Comment: The BRIP1 c.338C>T variant is predicted to result in the amino acid substitution p.Thr113Ile. This variant was reported as a variant of uncertain significance in association with pancreatic cancer (Shindo et al. 2017. PubMed ID: 28767289). This variant is reported in 0.0054% of alleles in individuals of East Asian descent in gnomAD. At this time, the clinical significance of this variant is uncertain due to the absence of conclusive functional and genetic evidence.

Sema4
Classification: Uncertain significance for Hereditary cancer-predisposing syndrome. Last evaluated: 2021-11-16. Review status: criteria provided, single submitter. Criteria: Sema4 Curation Guidelines. Collection method: curation. Allele origin: germline.
Comment: The BRIP1 c.338C>T (p.T113I) variant has been reported in heterozygosity in at least 2 individuals with Lynch syndrome, pancreatic ductal adenocarcinoma (PMID: 25980754, 28767289). It has been reported in a large case-control study of breast cancer in 0/60466 cases and 3/53461 controls (PMID: 33471991). This variant is also known as c.338G>A in the literature. It was observed in 1/18394 chromosomes of the East Asian (EAS) subpopulation in the large and broad cohorts of the Genome Aggregation Database (PMID: 32461654). This variant has been reported in ClinVar (Variation ID 461149). In silico tools suggest the impact of the variant on protein function is benign, though these predictions have not been confirmed by functional studies. The evidence is insufficient to meet ACMG/AMP criteria for classifying the variant as benign or pathogenic. Thus, the clinical significance of this variant is currently uncertain.

Institute for Biomarker Research, Medical Diagnostic Laboratories, L.L.C.
Classification: Uncertain significance for Hereditary cancer-predisposing syndrome. Last evaluated: 2021-12-17. Review status: no assertion criteria provided. Collection method: clinical testing. Allele origin: germline. Not counted in ClinVar's aggregate classification.

Literature cited by the submitters: PubMed 25980754 (cited by 3 submitters); PubMed 28767289 (cited by 4 submitters); PubMed 33471991 (cited by Color Diagnostics, LLC DBA Color Health and Sema4).